The following is an entry in ClinVar:

NM_000152.5(GAA):c.2014C>G (p.Arg672Gly)

Gene: GAA (alpha glucosidase; plus strand). Cytogenetic location: 17q25.3.
Variant type: single nucleotide variant.
Coding change: c.2014C>G on transcript NM_000152.5 (MANE Select); coding-DNA position 2014, C replaced by G.
Protein change: p.Arg672Gly; replaces arginine 672 with glycine.
Molecular consequence: missense variant.
Genome position (GRCh38, 1-based): chr17:80,113,001, C>G. VCF-style: chr17-80113001-C-G. GRCh37 (hg19) VCF-style: chr17-78086800-C-G.
Other names: c.2014C>G, p.Arg672Gly (NM_001079803.3, NM_001079804.3, NM_001406741.1 and 1 more transcripts); short protein forms R672G.
Identifiers: ClinVar variation 2728759 (VCV002728759.4), dbSNP rs757111744, ClinGen allele CA401370073.

ClinVar aggregate classification (germline): Conflicting classifications of pathogenicity. Review status: criteria provided, conflicting classifications (1 of 4 stars). 2 submissions from 2 submitters: Likely pathogenic (1); Uncertain significance (1). Last evaluated 2026-07-01.

Conditions:
Glycogen storage disease, type II (IOPD). Also called: CARDIOMEGALIA GLYCOGENICA DIFFUSA; GLYCOGENOSIS, GENERALIZED, CARDIAC FORM; GSD II; Glycogen storage disease type 2; Acid maltase deficiency disease; Aglucosidase alfa. Identifiers: Orphanet 365, MedGen C0017921, MONDO:0009290, OMIM 232300.

gnomAD v4.1: 1 of 1,610,488 alleles (0.000062%); highest among the groups gnomAD compares: East Asian, 0.0022%; no homozygotes.

Submissions (2):

Genomenon, Inc
Classification: Uncertain significance for Glycogen storage disease, type II. Last evaluated: 2026-07-01. Review status: criteria provided, single submitter. Criteria: Genomenon Sequence Variant Interpretation Standards - Updated. Collection method: curation. Allele origin: germline. Affected: yes.
Comment: GAA p.Arg672Gly (c.2014C>G) is a missense variant that changes the amino acid at codon 672 from Arginine to Glycine. This variant has been observed in at least one proband with a GAA-related disorder (PMID:40225932). The presence of pathogenic/likely pathogenic missense variant(s) at the same amino acid position indicates that this residue is likely important for protein function. It is absent or not present at a significant frequency in gnomAD. In silico models predict that this variant is possibly or probably damaging. In conclusion, we classify GAA p.Arg672Gly (c.2014C>G) as a variant of uncertain significance.

Labcorp Genetics (formerly Invitae), Labcorp
Classification: Likely pathogenic for Glycogen storage disease, type II. Last evaluated: 2025-12-22. Review status: criteria provided, single submitter. Criteria: Invitae Variant Classification Sherloc (09022015). Collection method: clinical testing. Allele origin: germline.
Comment: This sequence change replaces arginine, which is basic and polar, with glycine, which is neutral and non-polar, at codon 672 of the GAA protein (p.Arg672Gly). This variant is not present in population databases (gnomAD no frequency). This variant has not been reported in the literature in individuals affected with GAA-related conditions. ClinVar contains an entry for this variant (Variation ID: 2728759). Invitae Evidence Modeling of protein sequence and biophysical properties (such as structural, functional, and spatial information, amino acid conservation, physicochemical variation, residue mobility, and thermodynamic stability) indicates that this missense variant is expected to disrupt GAA protein function with a positive predictive value of 95%. This variant disrupts the p.Arg672 amino acid residue in GAA. Other variant(s) that disrupt this residue have been determined to be pathogenic (PMID: 9535769, 15986226). This suggests that this residue is clinically significant, and that variants that disrupt this residue are likely to be disease-causing. In summary, the currently available evidence indicates that the variant is pathogenic, but additional data are needed to prove that conclusively. Therefore, this variant has been classified as Likely Pathogenic.

Literature cited by the submitters: PubMed 40225932 (cited by Genomenon, Inc); PubMed 9535769 (cited by Labcorp Genetics (formerly Invitae), Labcorp); PubMed 15986226 (cited by Labcorp Genetics (formerly Invitae), Labcorp).